The following is an entry in ClinVar:

ClinVar aggregate classification (germline): Uncertain significance (1 of 4 stars; one submission).

Conditions:
Isolated microphthalmia 5. Also called: Posterior Microphthalmia with Retinitis Pigmentosa, Foveoschisis, and Optic Disc Drusen. Identifiers: Orphanet 251279, MedGen C1970236, MONDO:0012605, OMIM 611040.

gnomAD v4.1: 1 of 1,613,728 alleles (0.000062%); no homozygotes.

Submission:

Labcorp Genetics (formerly Invitae), Labcorp
Classification: Uncertain significance for Isolated microphthalmia 5. Last evaluated: 2022-08-22. Review status: criteria provided, single submitter. Criteria: Invitae Variant Classification Sherloc (09022015). Collection method: clinical testing. Allele origin: germline.
Comment: This sequence change replaces glutamine, which is neutral and polar, with histidine, which is basic and polar, at codon 93 of the MFRP protein (p.Gln93His). This variant is not present in population databases (gnomAD no frequency). This variant has not been reported in the literature in individuals affected with MFRP-related conditions. Algorithms developed to predict the effect of missense changes on protein structure and function are either unavailable or do not agree on the potential impact of this missense change (SIFT: "Deleterious"; PolyPhen-2: "Possibly Damaging"; Align-GVGD: "Class C0"). In summary, the available evidence is currently insufficient to determine the role of this variant in disease. Therefore, it has been classified as a Variant of Uncertain Significance.

NM_031433.4(MFRP):c.279G>C (p.Gln93His)

Genes: C1QTNF5 (C1q and TNF related 5; minus strand), MFRP (membrane frizzled-related protein; minus strand). Cytogenetic location: 11q23.3.
Variant type: single nucleotide variant.
Coding change: c.279G>C on transcript NM_031433.4 (MANE Select); coding-DNA position 279, G replaced by C.
Protein change: p.Gln93His; replaces glutamine 93 with histidine.
Molecular consequence: missense variant. On other transcripts: 5 prime UTR variant (1).
Genome position (GRCh38, 1-based): chr11:119,345,921, C>G on the plus strand (G>C on the coding strand, the complement: MFRP is on the minus strand). VCF-style: chr11-119345921-C-G. GRCh37 (hg19) VCF-style: chr11-119216631-C-G.
Other names: c.-2358G>C (NM_015645.5); short protein forms Q93H.
Identifiers: ClinVar variation 2088885 (VCV002088885.1), dbSNP rs2135374141, ClinGen allele CA382979340.
Genomic context (GRCh38, chr11:119,345,921, plus strand): 5'-GGTCGTGGTAAGGCCTCCGGCAGGCAGTGGGCTATGGGACGCCCCAGATGGGGGTGCAGC[C>G]TGCAGCTCTGGAGGCGAGAAGATGGAGGGTGGCGTTCAGAGGAGCTGGGTCCTGGGAGGC-3'
Protein context (NP_113621.1, residues 83-103): LLVAIILAQL[Gln93His]AAPPSGASHS